The following is an entry in ClinVar:

NM_001211.6(BUB1B):c.1883T>C (p.Leu628Ser)

Gene: BUB1B (BUB1 mitotic checkpoint serine/threonine kinase B; plus strand). Cytogenetic location: 15q15.1.
Variant type: single nucleotide variant.
Coding change: c.1883T>C on transcript NM_001211.6 (MANE Select); coding-DNA position 1883, T replaced by C.
Protein change: p.Leu628Ser; replaces leucine 628 with serine.
Molecular consequence: missense variant.
Genome position (GRCh38, 1-based): chr15:40,206,332, T>C. VCF-style: chr15-40206332-T-C. GRCh37 (hg19) VCF-style: chr15-40498533-T-C.
Other names: short protein forms L628S.
Identifiers: ClinVar variation 3262200 (VCV003262200.1).

ClinVar aggregate classification (germline): Uncertain significance (1 of 4 stars; one submission).

Conditions:
Inborn genetic diseases. Identifiers: MedGen C0950123, MeSH D030342.

Submission:

Ambry Genetics
Classification: Uncertain significance for Inborn genetic diseases. Last evaluated: 2024-03-30. Review status: criteria provided, single submitter. Criteria: Ambry Variant Classification Scheme 2023. Collection method: clinical testing. Allele origin: germline.
Comment: The p.L628S variant (also known as c.1883T>C), located in coding exon 15 of the BUB1B gene, results from a T to C substitution at nucleotide position 1883. The leucine at codon 628 is replaced by serine, an amino acid with dissimilar properties. This amino acid position is conserved. In addition, this alteration is predicted to be tolerated by in silico analysis. Based on the available evidence, the clinical significance of this alteration remains unclear.